The following is an entry in ClinVar:

NM_000271.5(NPC1):c.881+1G>A

Gene: NPC1 (NPC intracellular cholesterol transporter 1; minus strand). Cytogenetic location: 18q11.2.
Variant type: single nucleotide variant.
Coding change: c.881+1G>A on transcript NM_000271.5 (MANE Select); the canonical splice donor site of the intron after coding-DNA position 881, G replaced by A.
Molecular consequence: splice donor variant.
Genome position (GRCh38, 1-based): chr18:23,560,230, C>T on the plus strand (G>A on the coding strand, the complement: NPC1 is on the minus strand). VCF-style: chr18-23560230-C-T. GRCh37 (hg19) VCF-style: chr18-21140194-C-T.
Identifiers: ClinVar variation 2822199 (VCV002822199.3), dbSNP rs1555638409, ClinGen allele CA401780712.

ClinVar aggregate classification (germline): Likely pathogenic (1 of 4 stars; one submission).

Conditions:
Niemann-Pick disease, type C1. Also called: NEUROVISCERAL STORAGE DISEASE WITH VERTICAL SUPRANUCLEAR OPHTHALMOPLEGIA; NIEMANN-PICK DISEASE WITH CHOLESTEROL ESTERIFICATION BLOCK; NIEMANN-PICK DISEASE WITHOUT SPHINGOMYELINASE DEFICIENCY; NIEMANN-PICK DISEASE, CHRONIC NEURONOPATHIC FORM; NIEMANN-PICK DISEASE, VARIANT TYPE C1. Identifiers: Orphanet 646, MedGen C3179455, MONDO:0009757, OMIM 257220.

Allele frequency attached by ClinVar (database versions not stated): gnomAD exomes below 0.00001.
gnomAD v4.1: 2 of 1,614,110 alleles (0.00012%); highest among the groups gnomAD compares: South Asian, 0.0011%; no homozygotes.

Submission:

Labcorp Genetics (formerly Invitae), Labcorp
Classification: Likely pathogenic for Niemann-Pick disease, type C1. Last evaluated: 2023-04-26. Review status: criteria provided, single submitter. Criteria: Invitae Variant Classification Sherloc (09022015). Collection method: clinical testing. Allele origin: germline.
Comment: This variant is not present in population databases (gnomAD no frequency). This sequence change affects a donor splice site in intron 6 of the NPC1 gene. It is expected to disrupt RNA splicing. Variants that disrupt the donor or acceptor splice site typically lead to a loss of protein function (PMID: 16199547), and loss-of-function variants in NPC1 are known to be pathogenic (PMID: 9211850). This variant has not been reported in the literature in individuals affected with NPC1-related conditions. In summary, the currently available evidence indicates that the variant is pathogenic, but additional data are needed to prove that conclusively. Therefore, this variant has been classified as Likely Pathogenic. Algorithms developed to predict the effect of sequence changes on RNA splicing suggest that this variant may disrupt the consensus splice site.

Literature cited by the submitters: PubMed 16199547; PubMed 9211850.